The following is an entry in ClinVar:

NM_005502.4(ABCA1):c.2302C>T (p.Gln768Ter)

Gene: ABCA1 (ATP binding cassette subfamily A member 1; minus strand). Cytogenetic location: 9q31.1.
Variant type: single nucleotide variant.
Coding change: c.2302C>T on transcript NM_005502.4 (MANE Select); coding-DNA position 2302, C replaced by T.
Protein change: p.Gln768Ter; replaces glutamine 768 with a stop codon.
Molecular consequence: nonsense.
Genome position (GRCh38, 1-based): chr9:104,826,983, G>A on the plus strand (C>T on the coding strand, the complement: ABCA1 is on the minus strand). VCF-style: chr9-104826983-G-A. GRCh37 (hg19) VCF-style: chr9-107589264-G-A.
Other names: short protein forms Q768*.
Identifiers: ClinVar variation 3256126 (VCV003256126.2).

ClinVar aggregate classification (germline): Pathogenic (1 of 4 stars; one submission).

Conditions:
Tangier disease (TGD). Also called: HIGH DENSITY LIPOPROTEIN DEFICIENCY, TANGIER TYPE; HIGH DENSITY LIPOPROTEIN DEFICIENCY, TYPE 1; Cholesterol thesaurismosis. Identifiers: Orphanet 31150, MedGen C0039292, MONDO:0008783, OMIM 205400.

Submission:

Genomics, Clalit Research Institute, Clalit Health Care
Classification: Pathogenic for Tangier disease. Last evaluated: 2024-07-28. Review status: criteria provided, single submitter. Criteria: ACMG Guidelines, 2015. Collection method: clinical testing. Allele origin: germline. Inheritance: Autosomal recessive inheritance. Affected: yes. Observed: 1 homozygote.
Comment: Frequency: The variant is absent from the gnomAD reference population dataset. Variant type: Null variant in a gene where loss of function is a known mechanism of disease. Phenotype: The patient's phenotype or family history is compatible with the gene. Clinical evidence: To date, the variant has not been described by reputable sources or in the primary literature. PM2_p,PVS1, PP4